The following is an entry in ClinVar:

ClinVar aggregate classification (germline): Pathogenic (1 of 4 stars; one submission).

Conditions:
SPG11-related spastic paraplegia.

Submission:

Illumina Laboratory Services, Illumina
Classification: Pathogenic for SPG11-related spastic paraplegia. Last evaluated: 2020-02-21. Review status: criteria provided, single submitter. Criteria: ICSLVariantClassificationCriteria RUGD 01 April 2020. Collection method: clinical testing. Allele origin: unknown.
Comment: The SPG11 c.3464_3465delCC (p.Pro1155LeufsTer2) variant results in a frameshift and is predicted to result in a premature truncation of the protein. A literature search was performed for the gene, cDNA change, and amino acid change. No publications were round based on this search. This variant is not found in the Genome Aggregation Database in a region of good sequencing coverage, which suggests the variant is rare. Based on the predicted truncating nature of the variant, its rarity, and its identification in trans with a second pathogenic variant, the p.Pro1155LeufsTer2 variant is classified as pathogenic for SPG11-related spastic paraplegia.

NM_025137.4(SPG11):c.3464_3465del (p.Pro1155fs)

Gene: SPG11 (SPG11 vesicle trafficking associated, spatacsin; minus strand). Cytogenetic location: 15q21.1.
Variant type: Deletion.
Coding change: c.3464_3465del on transcript NM_025137.4 (MANE Select); coding-DNA positions 3464 to 3465, 2 bases deleted (CC; older notation c.3464_3465delCC).
Protein change: p.Pro1155fs; shifts the reading frame from proline 1155.
Molecular consequence: frameshift variant.
Genome position (GRCh38, 1-based): chr15:44,606,080-44,606,081, GG deleted on the plus strand (CC on the coding strand, the reverse complement: SPG11 is on the minus strand); deleting any 2 consecutive bases within chr15:44,606,080-44,606,082 gives the same sequence; the c. name uses the placement nearest the transcript's 3' end. VCF-style (leftmost placement, unchanged base first): chr15-44606079-AGG-A. GRCh37 (hg19) VCF-style: chr15-44898277-AGG-A.
Other names: c.3464_3465del, p.Pro1155fs (NM_001160227.2); short protein forms P1155fs.
Identifiers: ClinVar variation 873530 (VCV000873530.4), dbSNP rs2083311058, ClinGen allele CA1139663879.
Genomic context (GRCh38, chr15:44,606,079, plus strand): 5'-ACTTACCTCCTATAGCTAGTGTGTTAGCAGACTGCCAGCCAAACAATCTGCTAGGATCAA[AGG>A]GTGATAATGACTGAAAAAGGGGAAAAGTTAAACAGAATTAGAAGTTCACTGATTATAAAA-3'